The following is an entry in ClinVar:

NM_025137.4(SPG11):c.3542A>G (p.His1181Arg)

Gene: SPG11 (SPG11 vesicle trafficking associated, spatacsin; minus strand). Cytogenetic location: 15q21.1.
Variant type: single nucleotide variant.
Coding change: c.3542A>G on transcript NM_025137.4 (MANE Select); coding-DNA position 3542, A replaced by G.
Protein change: p.His1181Arg; replaces histidine 1181 with arginine.
Molecular consequence: missense variant.
Genome position (GRCh38, 1-based): chr15:44,600,611, T>C on the plus strand (A>G on the coding strand, the complement: SPG11 is on the minus strand). VCF-style: chr15-44600611-T-C. GRCh37 (hg19) VCF-style: chr15-44892809-T-C.
Other names: c.3542A>G, p.His1181Arg (NM_001160227.2); short protein forms H1181R.
Identifiers: ClinVar variation 1507851 (VCV001507851.8), dbSNP rs912012668, ClinGen allele CA270093545.
Genomic context (GRCh38, chr15:44,600,611, plus strand): 5'-TAAGCAAAATTCAGACGTTCCACTATAGCATATTTATTAACCAGGTCAGGGCTAGAGAAA[T>C]GTGGGAGATGACTCCATGCATCTAGGGGGAAAGTAAAACAATATTAATTATCTGTATATC-3'
Protein context (NP_079413.3, residues 1171-1191): AIGDAWSHLP[His1181Arg]FSSPDLVNKY

ClinVar aggregate classification (germline): Uncertain significance (1 of 4 stars; one submission).

Conditions:
Hereditary spastic paraplegia 11. Also called: Spastic paraplegia, mental retardation and thin corpus callosum; SPASTIC PARAPLEGIA, AUTOSOMAL RECESSIVE, COMPLICATED, WITH THIN CORPUS CALLOSUM; SPASTIC PARAPLEGIA, AUTOSOMAL RECESSIVE, WITH MENTAL IMPAIRMENT AND THIN CORPUS CALLOSUM; Spastic Paraplegia 11; Nakamura Osame syndrome; Autosomal recessive hereditary spastic paraplegia, mental impairment, and thin corpus callosum. Identifiers: Orphanet 2822, MedGen C1858479, MONDO:0011445, OMIM 604360.

Allele frequency attached by ClinVar (database versions not stated): gnomAD 0.00001; gnomAD exomes 0.00001.
gnomAD v4.1: 9 of 1,613,934 alleles (0.00056%); highest among the groups gnomAD compares: South Asian, 0.0099%; no homozygotes.

Submission:

Labcorp Genetics (formerly Invitae), Labcorp
Classification: Uncertain significance for Hereditary spastic paraplegia 11. Last evaluated: 2021-07-26. Review status: criteria provided, single submitter. Criteria: Invitae Variant Classification Sherloc (09022015). Collection method: clinical testing. Allele origin: germline.
Comment: This variant is not present in population databases (ExAC no frequency). In summary, the available evidence is currently insufficient to determine the role of this variant in disease. Therefore, it has been classified as a Variant of Uncertain Significance. Algorithms developed to predict the effect of missense changes on protein structure and function are either unavailable or do not agree on the potential impact of this missense change (SIFT: "Tolerated"; PolyPhen-2: "Possibly Damaging"; Align-GVGD: "Class C0"). This variant has not been reported in the literature in individuals affected with SPG11-related conditions. This sequence change replaces histidine with arginine at codon 1181 of the SPG11 protein (p.His1181Arg). The histidine residue is highly conserved and there is a small physicochemical difference between histidine and arginine.